The following is an entry in ClinVar:

NM_021831.6(AGBL5):c.2344A>G (p.Thr782Ala)

Gene: AGBL5 (AGBL carboxypeptidase 5; plus strand). Cytogenetic location: 2p23.3.
Variant type: single nucleotide variant.
Coding change: c.2344A>G on transcript NM_021831.6 (MANE Select); coding-DNA position 2344, A replaced by G.
Protein change: p.Thr782Ala; replaces threonine 782 with alanine.
Molecular consequence: missense variant. On other transcripts: non-coding transcript variant (2).
Genome position (GRCh38, 1-based): chr2:27,068,733, A>G. VCF-style: chr2-27068733-A-G. GRCh37 (hg19) VCF-style: chr2-27291601-A-G.
Other names: c.2344A>G, p.Thr782Ala (NM_001035506.1); c.2344A>G (NM_021831.5); short protein forms T782A.
Identifiers: ClinVar variation 2081589 (VCV002081589.2), dbSNP rs928899202, ClinGen allele CA44459902.

ClinVar aggregate classification (germline): Uncertain significance. Review status: criteria provided, multiple submitters, no conflicts (2 of 4 stars). 2 submissions from 2 submitters: Uncertain significance (2). Last evaluated 2025-02-21.

Conditions:
Inborn genetic diseases. Identifiers: MedGen C0950123, MeSH D030342.

Allele frequency attached by ClinVar (database versions not stated): gnomAD exomes below 0.00001; gnomAD 0.00001.

Submissions (2):

Ambry Genetics
Classification: Uncertain significance for Inborn genetic diseases. Last evaluated: 2025-02-21. Review status: criteria provided, single submitter. Criteria: Ambry Variant Classification Scheme 2023. Collection method: clinical testing. Allele origin: germline.

Labcorp Genetics (formerly Invitae), Labcorp
Classification: Uncertain significance. Last evaluated: 2022-05-15. Review status: criteria provided, single submitter. Criteria: Invitae Variant Classification Sherloc (09022015). Collection method: clinical testing. Allele origin: germline.
Comment: This sequence change replaces threonine, which is neutral and polar, with alanine, which is neutral and non-polar, at codon 782 of the AGBL5 protein (p.Thr782Ala). This variant is present in population databases (no rsID available, gnomAD 0.004%). This variant has not been reported in the literature in individuals affected with AGBL5-related conditions. Algorithms developed to predict the effect of missense changes on protein structure and function output the following: SIFT: "Tolerated"; PolyPhen-2: "Benign"; Align-GVGD: "Class C0". The alanine amino acid residue is found in multiple mammalian species, which suggests that this missense change does not adversely affect protein function. In summary, the available evidence is currently insufficient to determine the role of this variant in disease. Therefore, it has been classified as a Variant of Uncertain Significance.